The following is an entry in ClinVar:

NM_007373.4(SHOC2):c.812A>G (p.Asn271Ser)

Gene: SHOC2 (SHOC2 leucine rich repeat scaffold protein; plus strand). Cytogenetic location: 10q25.2.
Variant type: single nucleotide variant.
Coding change: c.812A>G on transcript NM_007373.4 (MANE Select); coding-DNA position 812, A replaced by G.
Protein change: p.Asn271Ser; replaces asparagine 271 with serine.
Molecular consequence: missense variant. On other transcripts: 5 prime UTR variant (2), non-coding transcript variant (1), intron variant (3).
Genome position (GRCh38, 1-based): chr10:110,985,736, A>G. VCF-style: chr10-110985736-A-G. GRCh37 (hg19) VCF-style: chr10-112745494-A-G.
Other names: c.812A>G, p.Asn271Ser (NM_001324336.2, NM_001324337.2, NM_001441184.1 and 2 more transcripts); c.143A>G, p.Asn48Ser (NM_001441188.1); c.-272A>G (NM_001441190.1); c.-141A>G (NM_001441191.1); c.704-14679A>G (NM_001441186.1, NM_001269039.3); c.-242-14679A>G (NM_001441189.1); short protein forms N271S, N48S.
Identifiers: ClinVar variation 4076674 (VCV004076674.1).
Genomic context (GRCh38, chr10:110,985,736, plus strand): 5'-AACACCTTCCAAAGGAGATTGGAAACTGTACACAGATAACCAACCTTGACTTGCAGCACA[A>G]TGAACTGCTAGACCTCCCAGATACTATAGGTATGAGAGGAGAAAGGAGATATTGATAGCT-3'
Protein context (NP_031399.2, residues 261-281): TQITNLDLQH[Asn271Ser]ELLDLPDTIG

ClinVar aggregate classification (germline): Uncertain significance (1 of 4 stars; one submission).

Submission:

GeneDx
Classification: Uncertain significance. Last evaluated: 2025-02-19. Review status: criteria provided, single submitter. Criteria: GeneDx Variant Classification Process June 2021. Collection method: clinical testing. Allele origin: germline. Affected: yes.
Comment: Not observed at significant frequency in large population cohorts (gnomAD); In silico analysis supports that this missense variant has a deleterious effect on protein structure/function; Has not been previously published as pathogenic or benign to our knowledge; This variant is associated with the following publications: (PMID: 29493581)